The following is an entry in ClinVar:

NM_182476.3(COQ6):c.980C>T (p.Ser327Leu)

Genes: COQ6 (coenzyme Q6, monooxygenase; plus strand), ENTPD5 (ectonucleoside triphosphate diphosphohydrolase 5; minus strand). Cytogenetic location: 14q24.3.
Variant type: single nucleotide variant.
Coding change: c.980C>T on transcript NM_182476.3 (MANE Select); coding-DNA position 980, C replaced by T.
Protein change: p.Ser327Leu; replaces serine 327 with leucine.
Molecular consequence: missense variant. On other transcripts: 3 prime UTR variant (1), intron variant (5).
Genome position (GRCh38, 1-based): chr14:73,961,261, C>T. VCF-style: chr14-73961261-C-T. GRCh37 (hg19) VCF-style: chr14-74427964-C-T.
Other names: c.980C>T, p.Ser327Leu (NM_001425255.1); c.872C>T, p.Ser291Leu (NM_001425256.1); c.815C>T, p.Ser272Leu (NM_001425257.1); c.797C>T, p.Ser266Leu (NM_001425258.1); c.755C>T, p.Ser252Leu (NM_001425259.1, NM_001425260.1, NM_001425261.1); c.725C>T, p.Ser242Leu (NM_001425262.1); c.653C>T, p.Ser218Leu (NM_001425263.1); c.440C>T, p.Ser147Leu (NM_001425264.1, NM_001425265.1); and 5 more; short protein forms S327L, S302L.
Identifiers: ClinVar variation 3021356 (VCV003021356.3), dbSNP rs1246022201, ClinGen allele CA390377273.

ClinVar aggregate classification (germline): Uncertain significance (1 of 4 stars; one submission).

Allele frequency attached by ClinVar (database versions not stated): gnomAD exomes below 0.00001; TOPMed 0.00001.

Submission:

Labcorp Genetics (formerly Invitae), Labcorp
Classification: Uncertain significance. Last evaluated: 2024-08-30. Review status: criteria provided, single submitter. Criteria: Invitae Variant Classification Sherloc (09022015). Collection method: clinical testing. Allele origin: germline.
Comment: This sequence change replaces serine, which is neutral and polar, with leucine, which is neutral and non-polar, at codon 327 of the COQ6 protein (p.Ser327Leu). This variant is present in population databases (no rsID available, gnomAD 0.0009%). This variant has not been reported in the literature in individuals affected with COQ6-related conditions. An algorithm developed to predict the effect of missense changes on protein structure and function (PolyPhen-2) suggests that this variant is likely to be disruptive. In summary, the available evidence is currently insufficient to determine the role of this variant in disease. Therefore, it has been classified as a Variant of Uncertain Significance.